The following is an entry in ClinVar:

ClinVar aggregate classification (germline): Uncertain significance. Review status: criteria provided, multiple submitters, no conflicts (2 of 4 stars). 2 submissions from 2 submitters: Uncertain significance (2). Last evaluated 2024-01-29.

Conditions:
Inborn genetic diseases. Identifiers: MedGen C0950123, MeSH D030342.
Autosomal recessive limb-girdle muscular dystrophy type 2N. Also called: MUSCULAR DYSTROPHY-DYSTROGLYCANOPATHY, LIMB-GIRDLE, POMT2-RELATED; Muscular dystrophy-dystroglycanopathy (limb-girdle), type C, 2. Identifiers: Orphanet 206559, MedGen C3150418, MONDO:0013162, OMIM 613158.
Muscular dystrophy-dystroglycanopathy (congenital with brain and eye anomalies), type A2. Also called: MUSCULAR DYSTROPHY-DYSTROGLYCANOPATHY (CONGENITAL WITH BRAIN AND EYE ANOMALIES), TYPE A, 2; WALKER-WARBURG SYNDROME OR MUSCLE-EYE-BRAIN DISEASE, POMT2-RELATED. Identifiers: Orphanet 588, Orphanet 899, MedGen C3150411, MONDO:0013154, OMIM 613150.
Muscular dystrophy-dystroglycanopathy (congenital with impaired intellectual development), type B, 2. Also called: MUSCULAR DYSTROPHY, CONGENITAL, POMT2-RELATED; Muscular dystrophy-dystroglycanopathy (congenital with intellectual disability), type B2. Identifiers: MedGen C3150416, MONDO:0013160, OMIM 613156.

Allele frequency attached by ClinVar (database versions not stated): ExAC 0.00001.
gnomAD v4.1: 2 of 1,613,490 alleles (0.00012%); highest among the groups gnomAD compares: Admixed American, 0.0033%; no homozygotes.

Submissions (2):

Labcorp Genetics (formerly Invitae), Labcorp
Classification: Uncertain significance for Muscular dystrophy-dystroglycanopathy (congenital with impaired intellectual development), type B, 2; Muscular dystrophy-dystroglycanopathy (congenital with brain and eye anomalies), type A2; Autosomal recessive limb-girdle muscular dystrophy type 2N. Last evaluated: 2024-01-29. Review status: criteria provided, single submitter. Criteria: Invitae Variant Classification Sherloc (09022015). Collection method: clinical testing. Allele origin: germline.
Comment: This sequence change replaces asparagine, which is neutral and polar, with serine, which is neutral and polar, at codon 513 of the POMT2 protein (p.Asn513Ser). This variant is present in population databases (rs778052789, gnomAD 0.006%). This variant has not been reported in the literature in individuals affected with POMT2-related conditions. ClinVar contains an entry for this variant (Variation ID: 1897933). Advanced modeling of protein sequence and biophysical properties (such as structural, functional, and spatial information, amino acid conservation, physicochemical variation, residue mobility, and thermodynamic stability) performed at Invitae indicates that this missense variant is not expected to disrupt POMT2 protein function with a negative predictive value of 95%. In summary, the available evidence is currently insufficient to determine the role of this variant in disease. Therefore, it has been classified as a Variant of Uncertain Significance.

Ambry Genetics
Classification: Uncertain significance for Inborn genetic diseases. Last evaluated: 2022-10-04. Review status: criteria provided, single submitter. Criteria: Ambry Variant Classification Scheme 2023. Collection method: clinical testing. Allele origin: germline.

NM_013382.7(POMT2):c.1538A>G (p.Asn513Ser)

Gene: POMT2 (protein O-mannosyltransferase 2; minus strand). Cytogenetic location: 14q24.3.
Variant type: single nucleotide variant.
Coding change: c.1538A>G on transcript NM_013382.7 (MANE Select); coding-DNA position 1538, A replaced by G.
Protein change: p.Asn513Ser; replaces asparagine 513 with serine.
Molecular consequence: missense variant.
Genome position (GRCh38, 1-based): chr14:77,284,988, T>C on the plus strand (A>G on the coding strand, the complement: POMT2 is on the minus strand). VCF-style: chr14-77284988-T-C. GRCh37 (hg19) VCF-style: chr14-77751331-T-C.
Other names: short protein forms N513S.
Identifiers: ClinVar variation 1897933 (VCV001897933.6), dbSNP rs778052789, ClinGen allele CA7285819.